The following is an entry in ClinVar:

ClinVar aggregate classification (germline): Uncertain significance. Review status: criteria provided, single submitter (1 of 4 stars). 2 submissions from 2 submitters: Uncertain significance (1). 1 of the submissions does not count toward it. Last evaluated 2025-04-03.

Conditions:
THPO-related disorder. Also called: THPO-related condition.

gnomAD v4.1: 42 of 1,609,414 alleles (0.0026%); highest among the groups gnomAD compares: African/African-American, 0.041%; no homozygotes.

Submissions (2):

GeneDx
Classification: Uncertain significance. Last evaluated: 2025-04-03. Review status: criteria provided, single submitter. Criteria: GeneDx Variant Classification Process June 2021. Collection method: clinical testing. Allele origin: germline. Affected: yes.
Comment: In silico analysis indicates that this missense variant does not alter protein structure/function; Reported using an alternate transcript of the gene; Has not been previously published as pathogenic or benign to our knowledge

PreventionGenetics, part of Exact Sciences
Classification: Uncertain significance for THPO-related condition. Last evaluated: 2024-08-14. Review status: no assertion criteria provided. Collection method: clinical testing. Allele origin: germline. Not counted in ClinVar's aggregate classification.
Comment: The THPO c.302T>G variant is predicted to result in the amino acid substitution p.Leu101Arg. To our knowledge, this variant has not been reported in the literature. This variant is reported in 0.023% of alleles in individuals of African descent in gnomAD. At this time, the clinical significance of this variant is uncertain due to the absence of conclusive functional and genetic evidence.

NM_000460.4(THPO):c.-119T>G

Gene: THPO (thrombopoietin; minus strand). Cytogenetic location: 3q27.1.
Variant type: single nucleotide variant.
Coding change: c.-119T>G on transcript NM_000460.4 (MANE Select); 119 bases upstream of the start codon, T replaced by G.
Molecular consequence: 5 prime UTR variant. On other transcripts: missense variant (1).
Genome position (GRCh38, 1-based): chr3:184,376,378, A>C on the plus strand (T>G on the coding strand, the complement: THPO is on the minus strand). VCF-style: chr3-184376378-A-C. GRCh37 (hg19) VCF-style: chr3-184094166-A-C.
Other names: c.-119T>G (NM_001177597.2, NM_001177598.2, NM_001289997.1 and 5 more transcripts); c.302T>G, p.Leu101Arg (NM_001290003.1); short protein forms L101R.
Identifiers: ClinVar variation 3352262 (VCV003352262.2).
Genomic context (GRCh38, chr3:184,376,378, plus strand): 5'-TCCTGGGGCCATGGAGGCGGCTTAGGCTCTTGCACTTCTGGGCAGAGTAGGGTGGGGCAA[A>C]GGCGGGCCAAGGGTGAAGAATCTATCCTGAAAGTAGCAAGAAGAGTGAACATTTAACCAA-3'